The following is an entry in ClinVar:

ClinVar aggregate classification (germline): Conflicting classifications of pathogenicity. Review status: criteria provided, conflicting classifications (1 of 4 stars). 5 submissions from 5 submitters: Uncertain significance (1); Benign (1); Likely benign (2). 1 of the submissions does not count toward it. Last evaluated 2026-01-02.

Conditions:
Retinal dystrophy. Also called: Inherited retinal dystrophy. Identifiers: Orphanet 71862, MedGen C0854723, MeSH D058499, MONDO:0019118, HP:0000556.
PDE6A-related disorder. Also called: PDE6A-related condition.
Retinitis pigmentosa (RP). Identifiers: Orphanet 791, MedGen C0035334, MeSH D012174, MONDO:0019200, OMIM 268000. Inheritance: Autosomal dominant, autosomal recessive and X linked inheritance.

Allele frequency attached by ClinVar (database versions not stated): gnomAD 0.00019; TOPMed 0.00022; 1000 Genomes Project 30x 0.00078; 1000 Genomes Project 0.00080.
gnomAD v4.1: 261 of 1,614,118 alleles (0.016%); highest among the groups gnomAD compares: East Asian, 0.18%; 2 homozygotes.

Submissions (5):

Labcorp Genetics (formerly Invitae), Labcorp
Classification: Benign. Last evaluated: 2026-01-02. Review status: criteria provided, single submitter. Criteria: Invitae Variant Classification Sherloc (09022015). Collection method: clinical testing. Allele origin: germline.

Blueprint Genetics
Classification: Likely benign. Last evaluated: 2024-06-06. Review status: criteria provided, single submitter. Criteria: ACMG Guidelines, 2015. Collection method: clinical testing. Allele origin: germline.

Dept Of Ophthalmology, Nagoya University
Classification: Likely benign for Retinal dystrophy. Last evaluated: 2023-10-01. Review status: criteria provided, single submitter. Criteria: Submitter's publication. Collection method: research. Allele origin: germline. Affected: yes.

Illumina Laboratory Services, Illumina
Classification: Uncertain significance for Retinitis pigmentosa. Last evaluated: 2018-01-12. Review status: criteria provided, single submitter. Criteria: ICSL Variant Classification Criteria 13 December 2019. Collection method: clinical testing. Allele origin: germline.

PreventionGenetics, part of Exact Sciences
Classification: Likely benign for PDE6A-related condition. Last evaluated: 2024-09-16. Review status: no assertion criteria provided. Collection method: clinical testing. Allele origin: germline. Not counted in ClinVar's aggregate classification.
Comment: This variant is classified as likely benign based on ACMG/AMP sequence variant interpretation guidelines (Richards et al. 2015 PMID: 25741868, with internal and published modifications).

NM_000440.3(PDE6A):c.316G>A (p.Ala106Thr)

Gene: PDE6A (phosphodiesterase 6A; minus strand). Cytogenetic location: 5q32.
Variant type: single nucleotide variant.
Coding change: c.316G>A on transcript NM_000440.3 (MANE Select); coding-DNA position 316, G replaced by A.
Protein change: p.Ala106Thr; replaces alanine 106 with threonine.
Molecular consequence: missense variant.
Genome position (GRCh38, 1-based): chr5:149,944,358, C>T on the plus strand (G>A on the coding strand, the complement: PDE6A is on the minus strand). VCF-style: chr5-149944358-C-T. GRCh37 (hg19) VCF-style: chr5-149323921-C-T.
Other names: short protein forms A106T.
Identifiers: ClinVar variation 728663 (VCV000728663.17), dbSNP rs200696413, ClinGen allele CA3505078.